The following is an entry in ClinVar:

NM_018192.4(P3H2):c.1508A>G (p.Asn503Ser)

Gene: P3H2 (prolyl 3-hydroxylase 2; minus strand). Cytogenetic location: 3q28.
Variant type: single nucleotide variant.
Coding change: c.1508A>G on transcript NM_018192.4 (MANE Select); coding-DNA position 1508, A replaced by G.
Protein change: p.Asn503Ser; replaces asparagine 503 with serine.
Molecular consequence: missense variant.
Genome position (GRCh38, 1-based): chr3:189,973,949, T>C on the plus strand (A>G on the coding strand, the complement: P3H2 is on the minus strand). VCF-style: chr3-189973949-T-C. GRCh37 (hg19) VCF-style: chr3-189691738-T-C.
Other names: c.965A>G, p.Asn322Ser (NM_001134418.2); c.1508A>G (NM_018192.3); short protein forms N322S, N503S.
Identifiers: ClinVar variation 1097652 (VCV001097652.10), dbSNP rs35072845, ClinGen allele CA2752894.

ClinVar aggregate classification (germline): Conflicting classifications of pathogenicity. Review status: criteria provided, conflicting classifications (1 of 4 stars). 4 submissions from 4 submitters: Uncertain significance (1); Likely benign (3). Last evaluated 2026-01-13.

Conditions:
Inborn genetic diseases. Identifiers: MedGen C0950123, MeSH D030342.
P3H2-related disorder. Also called: P3H2-related condition.

Allele frequency attached by ClinVar (database versions not stated): ESP Exome Variant Server 0.00177; 1000 Genomes Project 30x 0.00265; 1000 Genomes Project 0.00280; gnomAD 0.00091 and 0.00106; gnomAD exomes 0.00110; ExAC 0.00123.
gnomAD v4.1: 974 of 1,614,170 alleles (0.06%); highest among the groups gnomAD compares: South Asian, 0.48%; 3 homozygotes.

Submissions (4):

Labcorp Genetics (formerly Invitae), Labcorp
Classification: Likely benign. Last evaluated: 2026-01-13. Review status: criteria provided, single submitter. Criteria: Invitae Variant Classification Sherloc (09022015). Collection method: clinical testing. Allele origin: germline.

PreventionGenetics, part of Exact Sciences
Classification: Likely benign for P3H2-related condition. Last evaluated: 2025-12-23. Review status: criteria provided, single submitter. Criteria: ACMG Guidelines, 2015. Collection method: clinical testing. Allele origin: germline.
Comment: This variant is classified as likely benign based on ACMG/AMP sequence variant interpretation guidelines (Richards et al. 2015 PMID: 25741868, with internal and published modifications).

Ambry Genetics
Classification: Uncertain significance for Inborn genetic diseases. Last evaluated: 2024-09-11. Review status: criteria provided, single submitter. Criteria: Ambry Variant Classification Scheme 2023. Collection method: clinical testing. Allele origin: germline.

Blueprint Genetics
Classification: Likely benign. Last evaluated: 2024-09-06. Review status: criteria provided, single submitter. Criteria: ACMG Guidelines, 2015. Collection method: clinical testing. Allele origin: germline.